The following is an entry in ClinVar:

NM_004006.3(DMD):c.5358del (p.Phe1786fs)

Gene: DMD (dystrophin; minus strand). Cytogenetic location: Xp21.1.
Variant type: Deletion.
Coding change: c.5358del on transcript NM_004006.3 (MANE Select); coding-DNA position 5358, one base deleted (T; older notation c.5358delT).
Protein change: p.Phe1786fs; shifts the reading frame from phenylalanine 1786.
Molecular consequence: frameshift variant.
Genome position (GRCh38, 1-based): chrX:32,348,496, A deleted on the plus strand (T on the coding strand, the reverse complement: DMD is on the minus strand); the first of 3 consecutive A bases (chrX:32,348,496-32,348,498); deleting any one gives the same sequence. VCF-style (leftmost placement, unchanged base first): chrX-32348495-TA-T. GRCh37 (hg19) VCF-style: chrX-32366612-TA-T.
Other names: c.5334del, p.Phe1778fs (NM_000109.4); c.5346del, p.Phe1782fs (NM_004009.3); c.4989del, p.Phe1663fs (NM_004010.3); c.1335del, p.Phe445fs (NM_004011.4); c.1326del, p.Phe442fs (NM_004012.4); short protein forms F445fs, F1663fs, F1778fs, F1782fs, F1786fs, F442fs.
Identifiers: ClinVar variation 803861 (VCV000803861.7), dbSNP rs1603631368, ClinGen allele CA915950931.

ClinVar aggregate classification (germline): Pathogenic. Review status: criteria provided, multiple submitters, no conflicts (2 of 4 stars). 3 submissions from 3 submitters: Pathogenic (3). Last evaluated 2022-12-16.

Conditions:
Duchenne muscular dystrophy (DMD). Also called: Duchenne Muscular Dystrophy (DMD); MUSCULAR DYSTROPHY, PSEUDOHYPERTROPHIC PROGRESSIVE, DUCHENNE TYPE. Identifiers: Orphanet 98896, MedGen C0013264, MONDO:0010679, OMIM 310200.

Submissions (3):

Laboratory of Medical Genetics, National & Kapodistrian University of Athens
Classification: Pathogenic for Duchenne muscular dystrophy. Last evaluated: 2022-12-16. Review status: criteria provided, single submitter. Criteria: ACMG Guidelines, 2015. Collection method: clinical testing. Allele origin: germline. Affected: yes.
Comment: PVS1, PM2, PP5

Labcorp Genetics (formerly Invitae), Labcorp
Classification: Pathogenic for Duchenne muscular dystrophy. Last evaluated: 2022-11-15. Review status: criteria provided, single submitter. Criteria: Invitae Variant Classification Sherloc (09022015). Collection method: clinical testing. Allele origin: germline.
Comment: For these reasons, this variant has been classified as Pathogenic. ClinVar contains an entry for this variant (Variation ID: 803861). This variant has not been reported in the literature in individuals affected with DMD-related conditions. This variant is not present in population databases (gnomAD no frequency). This sequence change creates a premature translational stop signal (p.Phe1786Leufs*20) in the DMD gene. It is expected to result in an absent or disrupted protein product. Loss-of-function variants in DMD are known to be pathogenic (PMID: 16770791, 25007885).

Mendelics
Classification: Pathogenic for Duchenne muscular dystrophy. Last evaluated: 2019-05-28. Review status: criteria provided, single submitter. Criteria: Mendelics Assertion Criteria 2017. Collection method: clinical testing. Allele origin: unknown.

Literature cited by the submitters: PubMed 28116794 (cited by Laboratory of Medical Genetics, National & Kapodistrian University of Athens); PubMed 16770791 (cited by Labcorp Genetics (formerly Invitae), Labcorp); PubMed 25007885 (cited by Labcorp Genetics (formerly Invitae), Labcorp).